The following is an entry in ClinVar:

NM_001190787.3(MCIDAS):c.218-13_218-6dup

Gene: MCIDAS (multiciliate differentiation and DNA synthesis associated cell cycle protein; minus strand). Cytogenetic location: 5q11.2.
Variant type: Duplication.
Coding change: c.218-13_218-6dup on transcript NM_001190787.3 (MANE Select); 13 bases into the intron before coding-DNA position 218 through 6 bases into the intron before coding-DNA position 218, 8 bases duplicated (TCTCCCCG; older notation c.218-13_218-6dupTCTCCCCG).
Molecular consequence: intron variant.
Genome position (GRCh38, 1-based): chr5:55,226,673-55,226,680, CGGGGAGA duplicated on the plus strand (TCTCCCCG on the coding strand, the reverse complement: MCIDAS is on the minus strand); duplicating any 8 consecutive bases within chr5:55,226,673-55,226,681 gives the same sequence; the c. name uses the placement nearest the transcript's 3' end. VCF-style (leftmost placement, unchanged base first): chr5-55226672-G-GCGGGGAGA. GRCh37 (hg19) VCF-style: chr5-54522500-G-GCGGGGAGA.
Other names: p.?; c.218-13_218-6dupTCTCCCCG (NM_001190787.1); c.218-13_218-6dup8 (NM_001190787.1).
Identifiers: ClinVar variation 454527 (VCV000454527.17), dbSNP rs771063151, ClinGen allele CA3266592.

ClinVar aggregate classification (germline): Likely benign. Review status: criteria provided, multiple submitters, no conflicts (2 of 4 stars). 5 submissions from 5 submitters: Likely benign (4). 1 of the submissions does not count toward it. Last evaluated 2026-01-28.

Conditions:
Ciliary dyskinesia, primary, 42. Also called: CILIARY DYSKINESIA, PRIMARY, 42, WITHOUT SITUS INVERSUS. Identifiers: MedGen C5231464, MONDO:0032872, OMIM 618695.
MCIDAS-related disorder. Also called: MCIDAS-related condition.
Primary ciliary dyskinesia. Also called: Ciliary dyskinesia. Identifiers: Orphanet 244, MedGen C0008780, MONDO:0016575, HP:0012265.

Submissions (5):

Labcorp Genetics (formerly Invitae), Labcorp
Classification: Likely benign for Primary ciliary dyskinesia. Last evaluated: 2026-01-28. Review status: criteria provided, single submitter. Criteria: Invitae Variant Classification Sherloc (09022015). Collection method: clinical testing. Allele origin: germline.

Mayo Clinic Laboratories, Mayo Clinic
Classification: Likely benign. Last evaluated: 2025-10-17. Review status: criteria provided, single submitter. Criteria: ACMG Guidelines, 2015. Collection method: clinical testing. Allele origin: germline. Observed: 1 variant allele.
Comment: BS2, BP4, BP7

Blueprint Genetics
Classification: Likely benign. Last evaluated: 2024-10-23. Review status: criteria provided, single submitter. Criteria: ACMG Guidelines, 2015. Collection method: clinical testing. Allele origin: germline.

Fulgent Genetics
Classification: Likely benign for Ciliary dyskinesia, primary, 42. Last evaluated: 2022-02-24. Review status: criteria provided, single submitter. Criteria: ACMG Guidelines, 2015. Collection method: clinical testing. Allele origin: unknown.

PreventionGenetics, part of Exact Sciences
Classification: Likely benign for MCIDAS-related condition. Last evaluated: 2022-05-19. Review status: no assertion criteria provided. Collection method: clinical testing. Allele origin: germline. Not counted in ClinVar's aggregate classification.
Comment: This variant is classified as likely benign based on ACMG/AMP sequence variant interpretation guidelines (Richards et al. 2015 PMID: 25741868, with internal and published modifications).